The following is an entry in ClinVar:

ClinVar aggregate classification (germline): Uncertain significance (1 of 4 stars; one submission).

Conditions:
MAP1B-related disorder. Also called: MAP1B-related condition.

Submission:

PreventionGenetics, part of Exact Sciences
Classification: Uncertain significance for MAP1B-related condition. Last evaluated: 2026-03-17. Review status: criteria provided, single submitter. Criteria: ACMG Guidelines, 2015. Collection method: clinical testing. Allele origin: germline.
Comment: The MAP1B c.1857G>C variant is predicted to result in the amino acid substitution p.Glu619Asp. To our knowledge, this variant has not been reported in the literature or in a large population database (gnomAD), indicating this variant is rare. At this time, the clinical significance of this variant is uncertain due to the absence of conclusive functional and genetic evidence.

NM_005909.5(MAP1B):c.1857G>C (p.Glu619Asp)

Gene: MAP1B (microtubule associated protein 1B; plus strand). Cytogenetic location: 5q13.2.
Variant type: single nucleotide variant.
Coding change: c.1857G>C on transcript NM_005909.5 (MANE Select); coding-DNA position 1857, G replaced by C.
Protein change: p.Glu619Asp; replaces glutamic acid 619 with aspartic acid.
Molecular consequence: missense variant.
Genome position (GRCh38, 1-based): chr5:72,195,212, G>C. VCF-style: chr5-72195212-G-C. GRCh37 (hg19) VCF-style: chr5-71491039-G-C.
Other names: c.1479G>C, p.Glu493Asp (NM_001324255.2); short protein forms E619D, E493D.
Identifiers: ClinVar variation 4979041 (VCV004979041.1).